The following is an entry in ClinVar:

NM_004100.5(EYA4):c.1115T>C (p.Phe372Ser)

Gene: EYA4 (EYA transcriptional coactivator and phosphatase 4; plus strand). Cytogenetic location: 6q23.2.
Variant type: single nucleotide variant.
Coding change: c.1115T>C on transcript NM_004100.5 (MANE Select); coding-DNA position 1115, T replaced by C.
Protein change: p.Phe372Ser; replaces phenylalanine 372 with serine.
Molecular consequence: missense variant.
Genome position (GRCh38, 1-based): chr6:133,483,039, T>C. VCF-style: chr6-133483039-T-C. GRCh37 (hg19) VCF-style: chr6-133804177-T-C.
Other names: c.953T>C, p.Phe318Ser (NM_001301012.2); c.1133T>C, p.Phe378Ser (NM_001301013.2); c.1046T>C, p.Phe349Ser (NM_001370458.1, NM_172103.4); c.971T>C, p.Phe324Ser (NM_001370459.1); c.1115T>C, p.Phe372Ser (NM_172105.4); short protein forms F318S, F324S, F349S, F372S, F378S.
Identifiers: ClinVar variation 2663169 (VCV002663169.1), dbSNP rs2534877697, ClinGen allele CA365706612.
Genomic context (GRCh38, chr6:133,483,039, plus strand): 5'-ATTTCTGTTTCCTTGGACTTTTTAATTTTCTGATATTTATTTTTTGTCTTCAGCGTGTGT[T>C]TGTCTGGGATTTGGATGAAACCATCATTGTTTTTCACTCACTGCTCACCGGGTCTTATGC-3'
Protein context (NP_004091.3, residues 362-382): PPPDSDLERV[Phe372Ser]VWDLDETIIV

ClinVar aggregate classification (germline): Uncertain significance (1 of 4 stars; one submission).

Submission:

GeneDx
Classification: Uncertain significance. Last evaluated: 2023-05-05. Review status: criteria provided, single submitter. Criteria: GeneDx Variant Classification Process June 2021. Collection method: clinical testing. Allele origin: germline. Affected: yes.
Comment: Not observed at significant frequency in large population cohorts (gnomAD); In silico analysis supports that this missense variant has a deleterious effect on protein structure/function; Has not been previously published as pathogenic or benign to our knowledge